The following is an entry in ClinVar:

ClinVar aggregate classification (germline): Pathogenic (1 of 4 stars; one submission).

Conditions:
Alagille syndrome due to a JAG1 point mutation. Also called: Alagille Syndrome 1; JAG1-Related Alagille Syndrome; HEPATIC DUCTULAR HYPOPLASIA, SYNDROMATIC. Identifiers: Orphanet 261619, Orphanet 52, MedGen C1956125, MONDO:0016862, OMIM 118450.

Submission:

Labcorp Genetics (formerly Invitae), Labcorp
Classification: Pathogenic for Alagille syndrome due to a JAG1 point mutation. Last evaluated: 2023-11-20. Review status: criteria provided, single submitter. Criteria: Invitae Variant Classification Sherloc (09022015). Collection method: clinical testing. Allele origin: germline.
Comment: This sequence change creates a premature translational stop signal (p.Asn881*) in the JAG1 gene. It is expected to result in an absent or disrupted protein product. Loss-of-function variants in JAG1 are known to be pathogenic (PMID: 11180599). This variant is not present in population databases (gnomAD no frequency). This variant has not been reported in the literature in individuals affected with JAG1-related conditions. For these reasons, this variant has been classified as Pathogenic.

Literature cited by the submitters: PubMed 11180599.

NM_000214.3(JAG1):c.2640dup (p.Asn881Ter)

Gene: JAG1 (jagged canonical Notch ligand 1; minus strand). Cytogenetic location: 20p12.2.
Variant type: Duplication.
Coding change: c.2640dup on transcript NM_000214.3 (MANE Select); coding-DNA position 2640, one base duplicated (T; older notation c.2640dupT).
Protein change: p.Asn881Ter; replaces asparagine 881 with a stop codon.
Molecular consequence: nonsense.
Genome position (GRCh38, 1-based): chr20:10,641,825, A duplicated on the plus strand (T on the coding strand, the reverse complement: JAG1 is on the minus strand). VCF-style (leftmost placement, unchanged base first): chr20-10641824-T-TA. GRCh37 (hg19) VCF-style: chr20-10622472-T-TA.
Other names: short protein forms N881*.
Identifiers: ClinVar variation 3019206 (VCV003019206.3), dbSNP rs2514509543, ClinGen allele CA2740097007.